The following is an entry in ClinVar:

ClinVar aggregate classification (germline): Uncertain significance (1 of 4 stars; one submission).

Conditions:
Niemann-Pick disease, type C1. Also called: NEUROVISCERAL STORAGE DISEASE WITH VERTICAL SUPRANUCLEAR OPHTHALMOPLEGIA; NIEMANN-PICK DISEASE WITH CHOLESTEROL ESTERIFICATION BLOCK; NIEMANN-PICK DISEASE WITHOUT SPHINGOMYELINASE DEFICIENCY; NIEMANN-PICK DISEASE, CHRONIC NEURONOPATHIC FORM; NIEMANN-PICK DISEASE, VARIANT TYPE C1. Identifiers: Orphanet 646, MedGen C3179455, MONDO:0009757, OMIM 257220.

gnomAD v4.1: 10 of 1,614,020 alleles (0.00062%); highest among the groups gnomAD compares: South Asian, 0.0022%; no homozygotes.

Submission:

Labcorp Genetics (formerly Invitae), Labcorp
Classification: Uncertain significance for Niemann-Pick disease, type C1. Last evaluated: 2022-05-25. Review status: criteria provided, single submitter. Criteria: Invitae Variant Classification Sherloc (09022015). Collection method: clinical testing. Allele origin: germline.
Comment: This sequence change replaces glutamine, which is neutral and polar, with histidine, which is basic and polar, at codon 991 of the NPC1 protein (p.Gln991His). This variant is present in population databases (rs201118975, gnomAD 0.003%). This variant has not been reported in the literature in individuals affected with NPC1-related conditions. Algorithms developed to predict the effect of missense changes on protein structure and function (SIFT, PolyPhen-2, Align-GVGD) all suggest that this variant is likely to be tolerated. In summary, the available evidence is currently insufficient to determine the role of this variant in disease. Therefore, it has been classified as a Variant of Uncertain Significance.

NM_000271.5(NPC1):c.2973G>T (p.Gln991His)

Gene: NPC1 (NPC intracellular cholesterol transporter 1; minus strand). Cytogenetic location: 18q11.2.
Variant type: single nucleotide variant.
Coding change: c.2973G>T on transcript NM_000271.5 (MANE Select); coding-DNA position 2973, G replaced by T.
Protein change: p.Gln991His; replaces glutamine 991 with histidine.
Molecular consequence: missense variant.
Genome position (GRCh38, 1-based): chr18:23,538,610, C>A on the plus strand (G>T on the coding strand, the complement: NPC1 is on the minus strand). VCF-style: chr18-23538610-C-A. GRCh37 (hg19) VCF-style: chr18-21118574-C-A.
Other names: short protein forms Q991H.
Identifiers: ClinVar variation 2163351 (VCV002163351.1), dbSNP rs201118975, ClinGen allele CA8912901.